The following is an entry in ClinVar:

NM_001845.6(COL4A1):c.4190T>A (p.Ile1397Asn)

Gene: COL4A1 (collagen type IV alpha 1 chain; minus strand). Cytogenetic location: 13q34.
Variant type: single nucleotide variant.
Coding change: c.4190T>A on transcript NM_001845.6 (MANE Select); coding-DNA position 4190, T replaced by A.
Protein change: p.Ile1397Asn; replaces isoleucine 1397 with asparagine.
Molecular consequence: missense variant.
Genome position (GRCh38, 1-based): chr13:110,163,522, A>T on the plus strand (T>A on the coding strand, the complement: COL4A1 is on the minus strand). VCF-style: chr13-110163522-A-T. GRCh37 (hg19) VCF-style: chr13-110815869-A-T.
Other names: c.4190T>A (NM_001845.4); short protein forms I1397N.
Identifiers: ClinVar variation 2882510 (VCV002882510.4), dbSNP rs763020830, ClinGen allele CA7046993.
Genomic context (GRCh38, chr13:110,163,522, plus strand): 5'-CCAGTAGGCCCGGCAGGTCCCATCTCTCCTTTCTGGCCAGGGGCACCGTCAAACCCAGGA[A>T]TACCTGGAGGTCCAGGTATACCCACCAATCCTGTAACACCTGAGGCAGAGGAAAAATAAT-3'
Protein context (NP_001836.3, residues 1387-1407): GLVGIPGPPG[Ile1397Asn]PGFDGAPGQK

ClinVar aggregate classification (germline): Uncertain significance. Review status: criteria provided, multiple submitters, no conflicts (2 of 4 stars). 2 submissions from 2 submitters: Uncertain significance (2). Last evaluated 2023-11-13.

Conditions:
Inborn genetic diseases. Identifiers: MedGen C0950123, MeSH D030342.

Allele frequency attached by ClinVar (database versions not stated): TOPMed 0.00001; ExAC 0.00003.
gnomAD v4.1: 16 of 1,614,154 alleles (0.00099%); highest among the groups gnomAD compares: Admixed American, 0.0017%; no homozygotes.

Submissions (2):

Ambry Genetics
Classification: Uncertain significance for Inborn genetic diseases. Last evaluated: 2023-11-13. Review status: criteria provided, single submitter. Criteria: Ambry Variant Classification Scheme 2023. Collection method: clinical testing. Allele origin: germline.

Labcorp Genetics (formerly Invitae), Labcorp
Classification: Uncertain significance. Last evaluated: 2023-05-07. Review status: criteria provided, single submitter. Criteria: Invitae Variant Classification Sherloc (09022015). Collection method: clinical testing. Allele origin: germline.
Comment: In summary, the available evidence is currently insufficient to determine the role of this variant in disease. Therefore, it has been classified as a Variant of Uncertain Significance. Algorithms developed to predict the effect of missense changes on protein structure and function output the following: SIFT: "Not Available"; PolyPhen-2: "Benign"; Align-GVGD: "Not Available". The asparagine amino acid residue is found in multiple mammalian species, which suggests that this missense change does not adversely affect protein function. This variant has not been reported in the literature in individuals affected with COL4A1-related conditions. This variant is present in population databases (rs763020830, gnomAD 0.003%). This sequence change replaces isoleucine, which is neutral and non-polar, with asparagine, which is neutral and polar, at codon 1397 of the COL4A1 protein (p.Ile1397Asn).